The following is an entry in ClinVar:

ClinVar aggregate classification (germline): Likely benign (1 of 4 stars; one submission).

Submission:

GeneDx
Classification: Likely benign. Last evaluated: 2017-03-14. Review status: criteria provided, single submitter. Criteria: GeneDx Variant Classification (06012015). Collection method: clinical testing. Allele origin: germline. Affected: yes.
Comment: This variant is considered likely benign or benign based on one or more of the following criteria: it is a conservative change, it occurs at a poorly conserved position in the protein, it is predicted to be benign by multiple in silico algorithms, and/or has population frequency not consistent with disease.

NM_001035.3(RYR2):c.6657T>C (p.Ser2219=)

Gene: RYR2 (ryanodine receptor 2; plus strand). Cytogenetic location: 1q43.
Variant type: single nucleotide variant.
Coding change: c.6657T>C on transcript NM_001035.3 (MANE Select); coding-DNA position 6657, T replaced by C.
Protein change: p.Ser2219=; no amino-acid change (serine 2219 retained).
Molecular consequence: synonymous variant.
Genome position (GRCh38, 1-based): chr1:237,633,679, T>C. VCF-style: chr1-237633679-T-C. GRCh37 (hg19) VCF-style: chr1-237796979-T-C.
Other names: c.6657T>C, p.Ser2219= (LRG_402t1).
Identifiers: ClinVar variation 517790 (VCV000517790.1), dbSNP rs1553261227, ClinGen allele CA423818284.